The following is an entry in ClinVar:

NM_005559.4(LAMA1):c.8492A>G (p.Asp2831Gly)

Gene: LAMA1 (laminin subunit alpha 1; minus strand). Cytogenetic location: 18p11.31.
Variant type: single nucleotide variant.
Coding change: c.8492A>G on transcript NM_005559.4 (MANE Select); coding-DNA position 8492, A replaced by G.
Protein change: p.Asp2831Gly; replaces aspartic acid 2831 with glycine.
Molecular consequence: missense variant.
Genome position (GRCh38, 1-based): chr18:6,949,165, T>C on the plus strand (A>G on the coding strand, the complement: LAMA1 is on the minus strand). VCF-style: chr18-6949165-T-C. GRCh37 (hg19) VCF-style: chr18-6949164-T-C.
Other names: short protein forms D2831G.
Identifiers: ClinVar variation 4096062 (VCV004096062.5).

ClinVar aggregate classification (germline): Uncertain significance. Review status: criteria provided, multiple submitters, no conflicts (2 of 4 stars). 2 submissions from 2 submitters: Uncertain significance (2). Last evaluated 2026-01-01.

Conditions:
Inborn genetic diseases. Identifiers: MedGen C0950123, MeSH D030342.

gnomAD v4.1: 18 of 1,614,052 alleles (0.0011%); highest among the groups gnomAD compares: South Asian, 0.02%; no homozygotes.

Submissions (2):

CeGaT Center for Human Genetics Tuebingen
Classification: Uncertain significance. Last evaluated: 2026-01-01. Review status: criteria provided, single submitter. Criteria: CeGaT Center For Human Genetics Tuebingen Variant Classification Criteria Version 2. Collection method: clinical testing. Allele origin: germline. Affected: yes. Observed: 1 variant allele.
Comment: LAMA1: PM2

Ambry Genetics
Classification: Uncertain significance for Inborn genetic diseases. Last evaluated: 2025-08-22. Review status: criteria provided, single submitter. Criteria: Ambry Variant Classification Scheme 2023. Collection method: clinical testing. Allele origin: germline.